The following is an entry in ClinVar:

NM_182961.4(SYNE1):c.23047G>A (p.Ala7683Thr)

Gene: SYNE1 (spectrin repeat containing nuclear envelope protein 1; minus strand). Cytogenetic location: 6q25.2.
Variant type: single nucleotide variant.
Coding change: c.23047G>A on transcript NM_182961.4 (MANE Select); coding-DNA position 23047, G replaced by A.
Protein change: p.Ala7683Thr; replaces alanine 7683 with threonine.
Molecular consequence: missense variant.
Genome position (GRCh38, 1-based): chr6:152,201,922, C>T on the plus strand (G>A on the coding strand, the complement: SYNE1 is on the minus strand). VCF-style: chr6-152201922-C-T. GRCh37 (hg19) VCF-style: chr6-152523057-C-T.
Other names: c.22834G>A, p.Ala7612Thr (NM_033071.5); short protein forms A7683T, A7612T.
Identifiers: ClinVar variation 1503593 (VCV001503593.6), dbSNP rs1161832578, ClinGen allele CA366093137.

ClinVar aggregate classification (germline): Uncertain significance (1 of 4 stars; one submission).

Conditions:
Autosomal recessive ataxia, Beauce type. Also called: SYNE1-Related Autosomal Recessive Cerebellar Ataxia; Spinocerebellar ataxia, autosomal recessive 8; ATAXIA, RECESSIVE, OF BEAUCE; SYNE1 Deficiency. Identifiers: Orphanet 88644, MedGen C1853116, MONDO:0012549, OMIM 610743.
Emery-Dreifuss muscular dystrophy 4, autosomal dominant (EDMD4). Also called: EMERY-DREIFUSS MUSCULAR DYSTROPHY 4 WITH VARIABLE FEATURES. Identifiers: Orphanet 261, MedGen C2751807, MONDO:0013071, OMIM 612998.

Allele frequency attached by ClinVar (database versions not stated): gnomAD exomes below 0.00001.
gnomAD v4.1: 1 of 1,613,904 alleles (0.000062%); highest among the groups gnomAD compares: Admixed American, 0.0017%; no homozygotes.

Submission:

Labcorp Genetics (formerly Invitae), Labcorp
Classification: Uncertain significance for Emery-Dreifuss muscular dystrophy 4, autosomal dominant; Autosomal recessive ataxia, Beauce type. Last evaluated: 2021-09-06. Review status: criteria provided, single submitter. Criteria: Invitae Variant Classification Sherloc (09022015). Collection method: clinical testing. Allele origin: germline.
Comment: In summary, the available evidence is currently insufficient to determine the role of this variant in disease. Therefore, it has been classified as a Variant of Uncertain Significance. Algorithms developed to predict the effect of missense changes on protein structure and function are either unavailable or do not agree on the potential impact of this missense change (SIFT: "Deleterious"; PolyPhen-2: "Benign"; Align-GVGD: "Class C55"). This variant has not been reported in the literature in individuals affected with SYNE1-related conditions. This variant is not present in population databases (ExAC no frequency). This sequence change replaces alanine with threonine at codon 7612 of the SYNE1 protein (p.Ala7612Thr). The alanine residue is highly conserved and there is a small physicochemical difference between alanine and threonine.